The following is an entry in ClinVar:

NM_031313.3(ALPG):c.108C>T (p.Ala36=)

Genes: ALPG (alkaline phosphatase, germ cell; plus strand), LOC126806552 (BRD4-independent group 4 enhancer GRCh37_chr2:233271618-233272817; plus strand). Cytogenetic location: 2q37.1.
Variant type: single nucleotide variant.
Coding change: c.108C>T on transcript NM_031313.3 (MANE Select); coding-DNA position 108, C replaced by T.
Protein change: p.Ala36=; no amino-acid change (alanine 36 retained).
Molecular consequence: synonymous variant.
Genome position (GRCh38, 1-based): chr2:232,407,097, C>T. VCF-style: chr2-232407097-C-T. GRCh37 (hg19) VCF-style: chr2-233271807-C-T.
Identifiers: ClinVar variation 2652005 (VCV002652005.24), dbSNP rs761500611, ClinGen allele CA2165623.
Genomic context (GRCh38, chr2:232,407,097, plus strand): 5'-TTTGCTCTCCCCCTGGCCAGTTGAGGAGGAGAACCCGGACTTCTGGAACCGCCAGGCAGC[C>T]GAGGCCCTGGGTGCCGCCAAGAAGCTGCAGCCTGCACAGACAGCCGCCAAGAACCTCATC-3'
Protein context (NP_112603.2, residues 26-46): ENPDFWNRQA[Ala36=]EALGAAKKLQ

ClinVar aggregate classification (germline): Likely benign (1 of 4 stars; one submission).

Allele frequency attached by ClinVar (database versions not stated): ExAC 0.00001.

Submission:

CeGaT Center for Human Genetics Tuebingen
Classification: Likely benign. Last evaluated: 2022-07-01. Review status: criteria provided, single submitter. Criteria: CeGaT Center For Human Genetics Tuebingen Variant Classification Criteria Version 2. Collection method: clinical testing. Allele origin: germline. Affected: yes. Observed: 1 variant allele.
Comment: ALPG: BP4, BP7